The following is an entry in ClinVar:

ClinVar aggregate classification (germline): Uncertain significance (1 of 4 stars; one submission).

Conditions:
Lymphoproliferative syndrome 2 (LPFS2). Also called: Combined immunodeficiency due to CD27 deficiency; CD27 DEFICIENCY. Identifiers: Orphanet 238505, MedGen C3554540, MONDO:0014054, OMIM 615122.

Allele frequency attached by ClinVar (database versions not stated): gnomAD exomes 0.00001.
gnomAD v4.1: 10 of 1,613,962 alleles (0.00062%); highest among the groups gnomAD compares: South Asian, 0.011%; no homozygotes.

Submission:

Labcorp Genetics (formerly Invitae), Labcorp
Classification: Uncertain significance for Lymphoproliferative syndrome 2. Last evaluated: 2019-04-08. Review status: criteria provided, single submitter. Criteria: Invitae Variant Classification Sherloc (09022015). Collection method: clinical testing. Allele origin: germline.
Comment: This sequence change replaces histidine with asparagine at codon 75 of the CD27 protein (p.His75Asn). The histidine residue is moderately conserved and there is a small physicochemical difference between histidine and asparagine. This variant is not present in population databases (ExAC no frequency). This variant has not been reported in the literature in individuals with CD27-related conditions. Algorithms developed to predict the effect of missense changes on protein structure and function are either unavailable or do not agree on the potential impact of this missense change (SIFT: "Deleterious"; PolyPhen-2: "Benign"; Align-GVGD: "Class C15"). In summary, the available evidence is currently insufficient to determine the role of this variant in disease. Therefore, it has been classified as a Variant of Uncertain Significance.

NM_001242.5(CD27):c.223C>A (p.His75Asn)

Genes: CD27 (CD27 molecule; plus strand), CD27-AS1 (CD27 antisense RNA 1; minus strand). Cytogenetic location: 12p13.31.
Variant type: single nucleotide variant.
Coding change: c.223C>A on transcript NM_001242.5 (MANE Select); coding-DNA position 223, C replaced by A.
Protein change: p.His75Asn; replaces histidine 75 with asparagine.
Molecular consequence: missense variant.
Genome position (GRCh38, 1-based): chr12:6,445,510, C>A. VCF-style: chr12-6445510-C-A. GRCh37 (hg19) VCF-style: chr12-6554676-C-A.
Other names: short protein forms H75N.
Identifiers: ClinVar variation 863157 (VCV000863157.1), dbSNP rs1199174513, ClinGen allele CA383547133.